The following is an entry in ClinVar:

NM_144670.6(A2ML1):c.292G>A (p.Val98Met)

Genes: A2ML1 (alpha-2-macroglobulin like 1; plus strand), A2ML1-AS1 (A2ML1 antisense RNA 1; minus strand). Cytogenetic location: 12p13.31.
Variant type: single nucleotide variant.
Coding change: c.292G>A on transcript NM_144670.6 (MANE Select); coding-DNA position 292, G replaced by A.
Protein change: p.Val98Met; replaces valine 98 with methionine.
Molecular consequence: missense variant.
Genome position (GRCh38, 1-based): chr12:8,823,765, G>A. VCF-style: chr12-8823765-G-A. GRCh37 (hg19) VCF-style: chr12-8976361-G-A.
Other names: short protein forms V98M.
Identifiers: ClinVar variation 1037538 (VCV001037538.10), dbSNP rs766855215, ClinGen allele CA383818977.

ClinVar aggregate classification (germline): Uncertain significance (1 of 4 stars; one submission).

Allele frequency attached by ClinVar (database versions not stated): gnomAD exomes below 0.00001; gnomAD 0.00001.

Submission:

Labcorp Genetics (formerly Invitae), Labcorp
Classification: Uncertain significance. Last evaluated: 2020-06-11. Review status: criteria provided, single submitter. Criteria: Invitae Variant Classification Sherloc (09022015). Collection method: clinical testing. Allele origin: germline.
Comment: Algorithms developed to predict the effect of missense changes on protein structure and function output the following: SIFT: "Deleterious"; PolyPhen-2: "Possibly Damaging"; Align-GVGD: "Class C0". The methionine amino acid residue is found in multiple mammalian species, suggesting that this missense change does not adversely affect protein function. These predictions have not been confirmed by published functional studies and their clinical significance is uncertain. In summary, the available evidence is currently insufficient to determine the role of this variant in disease. Therefore, it has been classified as a Variant of Uncertain Significance. This variant has not been reported in the literature in individuals with A2ML1-related conditions. This variant is not present in population databases (ExAC no frequency). This sequence change replaces valine with methionine at codon 98 of the A2ML1 protein (p.Val98Met). The valine residue is highly conserved and there is a small physicochemical difference between valine and methionine.